The following is an entry in ClinVar:

NM_198880.3(QRICH1):c.60G>A (p.Arg20=)

Gene: QRICH1 (glutamine rich 1; minus strand). Cytogenetic location: 3p21.31.
Variant type: single nucleotide variant.
Coding change: c.60G>A on transcript NM_198880.3 (MANE Select); coding-DNA position 60, G replaced by A.
Protein change: p.Arg20=; no amino-acid change (arginine 20 retained).
Molecular consequence: synonymous variant.
Genome position (GRCh38, 1-based): chr3:49,076,958, C>T on the plus strand (G>A on the coding strand, the complement: QRICH1 is on the minus strand). VCF-style: chr3-49076958-C-T. GRCh37 (hg19) VCF-style: chr3-49114391-C-T.
Other names: c.60G>A, p.Arg20= (NM_001320580.2, NM_001320581.2, NM_001320582.2 and 4 more transcripts).
Identifiers: ClinVar variation 2653824 (VCV002653824.24), dbSNP rs141569971, ClinGen allele CA2391416.
Genomic context (GRCh38, chr3:49,076,958, plus strand): 5'-TTCTGGCCCCTTAGAGGCCAGTGAGTCCAGAAATTCCTTCATCCTGTGTTGCGGGACAGA[C>T]CGTGCCTTTACTCGGATGTACTCTTCAAAGGAGATGGTGTTCTCTAGGGAATTATTCATA-3'
Protein context (NP_942581.1, residues 10-30): SFEEYIRVKA[Arg20=]SVPQHRMKEF

ClinVar aggregate classification (germline): Likely benign (1 of 4 stars; one submission).

Allele frequency attached by ClinVar (database versions not stated): gnomAD 0.00018; TOPMed 0.00025; gnomAD exomes 0.00029; ExAC 0.00032; ESP Exome Variant Server 0.00046.
gnomAD v4.1: 439 of 1,594,610 alleles (0.028%); highest among the groups gnomAD compares: Admixed American, 0.057%; no homozygotes.

Submission:

CeGaT Center for Human Genetics Tuebingen
Classification: Likely benign. Last evaluated: 2023-03-01. Review status: criteria provided, single submitter. Criteria: CeGaT Center For Human Genetics Tuebingen Variant Classification Criteria Version 2. Collection method: clinical testing. Allele origin: germline. Affected: yes. Observed: 1 variant allele.
Comment: QRICH1: BP4, BP7